The following is an entry in ClinVar:

ClinVar aggregate classification (germline): Uncertain significance (1 of 4 stars; one submission).

Allele frequency attached by ClinVar (database versions not stated): gnomAD exomes below 0.00001.

Submission:

Labcorp Genetics (formerly Invitae), Labcorp
Classification: Uncertain significance. Last evaluated: 2024-10-29. Review status: criteria provided, single submitter. Criteria: Invitae Variant Classification Sherloc (09022015). Collection method: clinical testing. Allele origin: germline.
Comment: This sequence change replaces threonine, which is neutral and polar, with isoleucine, which is neutral and non-polar, at codon 276 of the ABHD12 protein (p.Thr276Ile). This variant is present in population databases (no rsID available, gnomAD 0.003%). This variant has not been reported in the literature in individuals affected with ABHD12-related conditions. ClinVar contains an entry for this variant (Variation ID: 1357190). Invitae Evidence Modeling of protein sequence and biophysical properties (such as structural, functional, and spatial information, amino acid conservation, physicochemical variation, residue mobility, and thermodynamic stability) indicates that this missense variant is expected to disrupt ABHD12 protein function with a positive predictive value of 80%. In summary, the available evidence is currently insufficient to determine the role of this variant in disease. Therefore, it has been classified as a Variant of Uncertain Significance.

NM_001042472.3(ABHD12):c.827C>T (p.Thr276Ile)

Gene: ABHD12 (abhydrolase domain containing 12, lysophospholipase; minus strand). Cytogenetic location: 20p11.21.
Variant type: single nucleotide variant.
Coding change: c.827C>T on transcript NM_001042472.3 (MANE Select); coding-DNA position 827, C replaced by T.
Protein change: p.Thr276Ile; replaces threonine 276 with isoleucine.
Molecular consequence: missense variant.
Genome position (GRCh38, 1-based): chr20:25,308,006, G>A on the plus strand (C>T on the coding strand, the complement: ABHD12 is on the minus strand). VCF-style: chr20-25308006-G-A. GRCh37 (hg19) VCF-style: chr20-25288642-G-A.
Other names: c.827C>T, p.Thr276Ile (NM_015600.5); short protein forms T276I.
Identifiers: ClinVar variation 1357190 (VCV001357190.7), dbSNP rs1434409844, ClinGen allele CA408455883.
Genomic context (GRCh38, chr20:25,308,006, plus strand): 5'-TTAATAAAATCTGTACTTGCCACTGAAAATGGATGGCTCTTAGCTTCTTCGCGGATATTA[G>A]TGAATGGAGATTCCAATATAAGGGCATCTGGAGGCGTCTCTAGATAAACAAACAGGGAAC-3'
Protein context (NP_001035937.1, residues 266-286): PDALILESPF[Thr276Ile]NIREEAKSHP